The following is an entry in ClinVar:

ClinVar aggregate classification (germline): Benign. Review status: criteria provided, multiple submitters, no conflicts (2 of 4 stars). 2 submissions from 2 submitters: Benign (2). Last evaluated 2026-02-04.

Conditions:
Immunodeficiency. Identifiers: MedGen C0021051, MONDO:0021094, HP:0002721.

Submissions (2):

Labcorp Genetics (formerly Invitae), Labcorp
Classification: Benign for Immunodeficiency. Last evaluated: 2026-02-04. Review status: criteria provided, single submitter. Criteria: Invitae Variant Classification Sherloc (09022015). Collection method: clinical testing. Allele origin: germline.

Unidad de Genómica Garrahan, Hospital de Pediatría Garrahan
Classification: Benign. Last evaluated: 2023-11-12. Review status: criteria provided, single submitter. Criteria: ACMG Guidelines, 2015. Collection method: clinical testing. Allele origin: germline. Affected: no. Observed: 48 variant alleles.
Comment: This variant is classified as Benign based on local population frequency. This variant was detected in 50% of patients studied by a panel of primary immunodeficiencies. Number of patients: 48. Only high quality variants are reported.

NM_138713.4(NFAT5):c.1557+20del

Gene: NFAT5 (nuclear factor of activated T cells 5; plus strand). Cytogenetic location: 16q22.1.
Variant type: Deletion.
Coding change: c.1557+20del on transcript NM_138713.4 (MANE Select); 20 bases into the intron after coding-DNA position 1557, one base deleted (T; older notation c.1557+20delT).
Molecular consequence: intron variant.
Genome position (GRCh38, 1-based): chr16:69,670,308, T deleted; the last of 7 consecutive T bases (chr16:69,670,302-69,670,308); deleting any one gives the same sequence. VCF-style (leftmost placement, unchanged base first): chr16-69670301-CT-C. GRCh37 (hg19) VCF-style: chr16-69704204-CT-C.
Other names: c.1275+20del (NM_138714.4, NM_173214.3, NM_173215.3); c.1557+20del (NM_001113178.3); c.1503+20del (NM_006599.4); c.885+20del (NM_001367709.1).
Identifiers: ClinVar variation 1168173 (VCV001168173.11), dbSNP rs3217435, ClinGen allele CA8135576.